The following is an entry in ClinVar:

NM_000377.3(WAS):c.23del (p.Gly8fs)

Gene: WAS (WASP actin nucleation promoting factor; plus strand). Cytogenetic location: Xp11.23.
Variant type: Deletion.
Coding change: c.23del on transcript NM_000377.3 (MANE Select); coding-DNA position 23, one base deleted (G; older notation c.23delG).
Protein change: p.Gly8fs; shifts the reading frame from glycine 8.
Molecular consequence: frameshift variant.
Genome position (GRCh38, 1-based): chrX:48,683,876, G deleted; the last of 2 consecutive G bases (chrX:48,683,875-48,683,876); deleting either gives the same sequence. VCF-style (leftmost placement, unchanged base first): chrX-48683874-AG-A. GRCh37 (hg19) VCF-style: chrX-48542263-AG-A.
Other names: c.23delG (NM_000377.2); short protein forms G8fs.
Identifiers: ClinVar variation 817607 (VCV000817607.2), dbSNP rs1602176222, ClinGen allele CA915951081.
Genomic context (GRCh38, chrX:48,683,874, plus strand): 5'-ACCCAGAGCCTCGCCAGAGAAGACAAGGGCAGAAAGCACCATGAGTGGGGGCCCAATGGG[AG>A]GAAGGCCCGGGGGCCGAGGAGCACCAGCGGTTCAGCAGAACATACCCTCCACCCTCCTCC-3'

ClinVar aggregate classification (germline): Pathogenic (1 of 4 stars; one submission).

Submission:

GeneDx
Classification: Pathogenic. Last evaluated: 2020-08-04. Review status: criteria provided, single submitter. Criteria: GeneDx Variant Classification Process June 2021. Collection method: clinical testing. Allele origin: germline. Affected: yes.
Comment: Frameshift variant predicted to result in protein truncation or nonsense mediated decay in a gene for which loss-of-function is a known mechanism of disease; Not observed in large population cohorts (Lek et al., 2016); This variant is associated with the following publications: (PMID: 15284122)